The following is an entry in ClinVar:

ClinVar aggregate classification (germline): Likely pathogenic. Review status: criteria provided, multiple submitters, no conflicts (2 of 4 stars). 3 submissions from 3 submitters: Likely pathogenic (3). Last evaluated 2024-08-20.

Conditions:
Becker muscular dystrophy, Cardiomyopathy, Duchenne muscular dystrophy, Dystrophin deficiency.

Allele frequency attached by ClinVar (database versions not stated): gnomAD exomes below 0.00001.
gnomAD v4.1: 3 of 1,210,337 alleles (0.00025%); highest among the groups gnomAD compares: Non-Finnish European, 0.00034%; no homozygotes.

Submissions (3):

Natera, Inc.
Classification: Likely pathogenic for Becker muscular dystrophy, Cardiomyopathy, Duchenne muscular dystrophy, Dystrophin deficiency. Last evaluated: 2024-08-20. Review status: criteria provided, single submitter. Criteria: Natera Variant Classification Schema (03/2026). Collection method: clinical testing. Allele origin: germline.
Comment: The c.960+1G>T variant in DMD is a canonical splice donor site variant predicted to affect pre-mRNA splicing, which may result in an abnormal transcript and altered protein product. This variant is expected to result in nonsense mediated decay, truncation, or a dysfunctional protein product. This variant is rare in the general population with a frequency below the threshold expected for the associated phenotype(s). Given the available evidence, this variant is classified as Likely Pathogenic.

Revvity Omics, Revvity
Classification: Likely pathogenic. Last evaluated: 2023-03-10. Review status: criteria provided, single submitter. Criteria: ACMG Guidelines, 2015. Collection method: clinical testing. Allele origin: germline.

CeGaT Center for Human Genetics Tuebingen
Classification: Likely pathogenic. Last evaluated: 2022-02-01. Review status: criteria provided, single submitter. Criteria: CeGaT Center For Human Genetics Tuebingen Variant Classification Criteria Version 2. Collection method: clinical testing. Allele origin: germline. Affected: yes. Observed: 2 variant alleles.

NM_004006.3(DMD):c.960+1G>T

Gene: DMD (dystrophin; minus strand). Cytogenetic location: Xp21.1.
Variant type: single nucleotide variant.
Coding change: c.960+1G>T on transcript NM_004006.3 (MANE Select); the canonical splice donor site of the intron after coding-DNA position 960, G replaced by T.
Molecular consequence: splice donor variant.
Genome position (GRCh38, 1-based): chrX:32,697,869, C>A on the plus strand (G>T on the coding strand, the complement: DMD is on the minus strand). VCF-style: chrX-32697869-C-A. GRCh37 (hg19) VCF-style: chrX-32715986-C-A.
Other names: c.936+1G>T (NM_000109.4); c.948+1G>T (NM_004009.3); c.591+1G>T (NM_004010.3).
Identifiers: ClinVar variation 1322321 (VCV001322321.38), dbSNP rs199783662, ClinGen allele CA10380017.